The following is an entry in ClinVar:

ClinVar aggregate classification (germline): Uncertain significance. Review status: criteria provided, multiple submitters, no conflicts (2 of 4 stars). 2 submissions from 2 submitters: Uncertain significance (2). Last evaluated 2025-04-07.

Conditions:
Wilms tumor 1 (WT1). Also called: Wilms tumor, somatic. Identifiers: Orphanet 654, MedGen CN033288, MONDO:0008679, OMIM 194070.
11p partial monosomy syndrome (WAGR). Also called: WAGR syndrome; WAGR Complex; CHROMOSOME 11p13 DELETION SYNDROME; WAGR Spectrum Disorder. Identifiers: Orphanet 893, MedGen C0206115, MONDO:0008681, OMIM 194072.
Frasier syndrome. Identifiers: Orphanet 347, MedGen C0950122, MeSH D052159, MONDO:0007635, OMIM 136680.
Drash syndrome (DDS). Also called: NEPHROPATHY, WILMS TUMOR, AND GENITAL ANOMALIES; WILMS TUMOR AND PSEUDO- OR TRUE HERMAPHRODITISM. Identifiers: Orphanet 220, MedGen C0950121, MONDO:0008682, OMIM 194080.
Inborn genetic diseases. Identifiers: MedGen C0950123, MeSH D030342.

Submissions (2):

Ambry Genetics
Classification: Uncertain significance for Inborn genetic diseases. Last evaluated: 2025-04-07. Review status: criteria provided, single submitter. Criteria: Ambry Variant Classification Scheme 2023. Collection method: clinical testing. Allele origin: germline.
Comment: The p.Y116H variant (also known as c.346T>C), located in coding exon 1 of the WT1 gene, results from a T to C substitution at nucleotide position 346. The tyrosine at codon 116 is replaced by histidine, an amino acid with similar properties. This amino acid position is conserved. In addition, this alteration is predicted to be tolerated by in silico analysis. Based on the available evidence, the clinical significance of this variant remains unclear.

Labcorp Genetics (formerly Invitae), Labcorp
Classification: Uncertain significance for Wilms tumor 1; Drash syndrome; 11p partial monosomy syndrome; Frasier syndrome. Last evaluated: 2024-07-24. Review status: criteria provided, single submitter. Criteria: Invitae Variant Classification Sherloc (09022015). Collection method: clinical testing. Allele origin: germline.
Comment: This sequence change replaces tyrosine, which is neutral and polar, with histidine, which is basic and polar, at codon 116 of the WT1 protein (p.Tyr116His). This variant is not present in population databases (gnomAD no frequency). This variant has not been reported in the literature in individuals affected with WT1-related conditions. An algorithm developed to predict the effect of missense changes on protein structure and function (PolyPhen-2) suggests that this variant is likely to be disruptive. In summary, the available evidence is currently insufficient to determine the role of this variant in disease. Therefore, it has been classified as a Variant of Uncertain Significance.

NM_024426.6(WT1):c.361T>C (p.Tyr121His)

Genes: WT1 (WT1 transcription factor; minus strand), LOC107982234 (WT1/WT1-AS bi-directional promoter region; plus strand). Cytogenetic location: 11p13.
Variant type: single nucleotide variant.
Coding change: c.361T>C on transcript NM_024426.6 (MANE Select); coding-DNA position 361, T replaced by C.
Protein change: p.Tyr121His; replaces tyrosine 121 with histidine.
Molecular consequence: missense variant. On other transcripts: non-coding transcript variant (2).
Genome position (GRCh38, 1-based): chr11:32,435,000, A>G on the plus strand (T>C on the coding strand, the complement: WT1 is on the minus strand). VCF-style: chr11-32435000-A-G. GRCh37 (hg19) VCF-style: chr11-32456546-A-G.
Other names: c.346T>C (NM_024426.4); c.361T>C, p.Tyr121His (NM_000378.6, NM_001407044.1, NM_001407045.1 and 6 more transcripts); c.142T>C, p.Tyr48His (NM_001429031.1, NM_001429032.1, NM_001429033.1 and 1 more transcripts); short protein forms Y116H, Y121H, Y48H.
Identifiers: ClinVar variation 3757297 (VCV003757297.3).